The following is an entry in ClinVar:

ClinVar aggregate classification (germline): Uncertain significance. Review status: criteria provided, single submitter (1 of 4 stars). 2 submissions from 2 submitters: Uncertain significance (1). 1 of the submissions does not count toward it. Last evaluated 2021-09-15.

Conditions:
Inborn genetic diseases. Identifiers: MedGen C0950123, MeSH D030342.
SPEF2-related disorder. Also called: SPEF2-related condition.

Allele frequency attached by ClinVar (database versions not stated): ExAC 0.00002; gnomAD 0.00005; TOPMed 0.00005; ESP Exome Variant Server 0.00008.
gnomAD v4.1: 117 of 1,608,458 alleles (0.0073%); highest among the groups gnomAD compares: Non-Finnish European, 0.0096%; no homozygotes.

Submissions (2):

Ambry Genetics
Classification: Uncertain significance for Inborn genetic diseases. Last evaluated: 2021-09-15. Review status: criteria provided, single submitter. Criteria: Ambry Variant Classification Scheme 2023. Collection method: clinical testing. Allele origin: germline.

PreventionGenetics, part of Exact Sciences
Classification: Uncertain significance for SPEF2-related condition. Last evaluated: 2024-08-19. Review status: no assertion criteria provided. Collection method: clinical testing. Allele origin: germline. Not counted in ClinVar's aggregate classification.
Comment: The SPEF2 c.952C>G variant is predicted to result in the amino acid substitution p.Gln318Glu. To our knowledge, this variant has not been reported in the literature. This variant is reported in 0.0045% of alleles in individuals of European (Non-Finnish) descent in gnomAD. At this time, the clinical significance of this variant is uncertain due to the absence of conclusive functional and genetic evidence.

NM_024867.4(SPEF2):c.952C>G (p.Gln318Glu)

Gene: SPEF2 (sperm flagellar 2; plus strand). Cytogenetic location: 5p13.2.
Variant type: single nucleotide variant.
Coding change: c.952C>G on transcript NM_024867.4 (MANE Select); coding-DNA position 952, C replaced by G.
Protein change: p.Gln318Glu; replaces glutamine 318 with glutamic acid.
Molecular consequence: missense variant.
Genome position (GRCh38, 1-based): chr5:35,654,700, C>G. VCF-style: chr5-35654700-C-G. GRCh37 (hg19) VCF-style: chr5-35654802-C-G.
Other names: c.952C>G, p.Gln318Glu (NM_144722.4); short protein forms Q318E.
Identifiers: ClinVar variation 2360169 (VCV002360169.3), dbSNP rs375325536, ClinGen allele CA3230316.